The following is an entry in ClinVar:

NM_152618.3(BBS12):c.1892del (p.Ser631fs)

Gene: BBS12 (Bardet-Biedl syndrome 12; plus strand). Cytogenetic location: 4q27.
Variant type: Deletion.
Coding change: c.1892del on transcript NM_152618.3 (MANE Select); coding-DNA position 1892, one base deleted (C; older notation c.1892delC).
Protein change: p.Ser631fs; shifts the reading frame from serine 631.
Molecular consequence: frameshift variant.
Genome position (GRCh38, 1-based): chr4:122,743,784, C deleted. VCF-style (leftmost placement, unchanged base first): chr4-122743783-TC-T. GRCh37 (hg19) VCF-style: chr4-123664938-TC-T.
Other names: c.1892del, p.Ser631fs (NM_001178007.2); short protein forms S631fs.
Identifiers: ClinVar variation 4816884 (VCV004816884.1).

ClinVar aggregate classification (germline): Likely pathogenic (1 of 4 stars; one submission).

Conditions:
Bardet-Biedl syndrome 12 (BBS12). Identifiers: Orphanet 110, MedGen C1859570, MONDO:0014440, OMIM 615989.

Submission:

Natera, Inc.
Classification: Likely pathogenic for Bardet-Biedl syndrome type 12. Last evaluated: 2024-03-15. Review status: criteria provided, single submitter. Criteria: Natera Variant Classification Schema (03/2026). Collection method: clinical testing. Allele origin: germline.
Comment: The c.1892delC variant in BBS12 is a frameshift variant predicted to shift the reading frame beginning at codon 631 and leads to a stop codon 7 codons downstream. This variant is expected to result in nonsense mediated decay, truncation, or a dysfunctional protein product. This variant is rare in the general population with a frequency below the threshold expected for the associated phenotype(s). Given the available evidence, this variant is classified as Likely Pathogenic.